The following is an entry in ClinVar:

ClinVar aggregate classification (germline): Conflicting classifications of pathogenicity. Review status: criteria provided, conflicting classifications (1 of 4 stars). 9 submissions from 9 submitters: Uncertain significance (8); Likely benign (1). Last evaluated 2026-01-25.

Conditions:
Hereditary cancer-predisposing syndrome. Also called: Neoplastic Syndromes, Hereditary; Hereditary Cancer Syndrome; Hereditary neoplastic syndrome; Tumor predisposition. Identifiers: Orphanet 140162, MedGen C0027672, MeSH D009386, MONDO:0015356.
Hereditary breast ovarian cancer syndrome. Also called: Hereditary breast and ovarian cancer syndrome; Hereditary breast and/or ovarian cancer syndrome; BRCA1- and BRCA2-Associated Hereditary Breast and Ovarian Cancer; Hereditary breast and ovarian cancer; Breast and ovarian cancer; Hereditary breast and ovarian cancer syndrome (HBOC). Identifiers: Orphanet 145, MedGen C0677776, MeSH D061325, MONDO:0003582. Disease mechanism: loss of function.
Breast-ovarian cancer, familial, susceptibility to, 2 (BROVCA2). Also called: BRCA2 Hereditary Breast and Ovarian Cancer. Identifiers: Orphanet 145, MedGen C2675520, MONDO:0012933, OMIM 612555. Disease mechanism: loss of function.

Allele frequency attached by ClinVar (database versions not stated): gnomAD exomes below 0.00001; ExAC 0.00001; gnomAD 0.00002; TOPMed 0.00002.
gnomAD v4.1: 7 of 1,611,232 alleles (0.00043%); highest among the groups gnomAD compares: African/African-American, 0.008%; no homozygotes.

Submissions (9):

Labcorp Genetics (formerly Invitae), Labcorp
Classification: Uncertain significance for Hereditary breast ovarian cancer syndrome. Last evaluated: 2026-01-25. Review status: criteria provided, single submitter. Criteria: Invitae Variant Classification Sherloc (09022015). Collection method: clinical testing. Allele origin: germline.
Comment: This sequence change replaces proline, which is neutral and non-polar, with alanine, which is neutral and non-polar, at codon 360 of the BRCA2 protein (p.Pro360Ala). This variant is present in population databases (rs587782057, gnomAD 0.01%). This variant has not been reported in the literature in individuals affected with BRCA2-related conditions. ClinVar contains an entry for this variant (Variation ID: 141850). Invitae Evidence Modeling of protein sequence and biophysical properties (such as structural, functional, and spatial information, amino acid conservation, physicochemical variation, residue mobility, and thermodynamic stability) indicates that this missense variant is not expected to disrupt BRCA2 protein function with a negative predictive value of 95%. In summary, the available evidence is currently insufficient to determine the role of this variant in disease. Therefore, it has been classified as a Variant of Uncertain Significance.

Ambry Genetics
Classification: Uncertain significance for Hereditary cancer-predisposing syndrome. Last evaluated: 2024-08-18. Review status: criteria provided, single submitter. Criteria: Ambry Variant Classification Scheme 2023. Collection method: clinical testing. Allele origin: germline.
Comment: The p.P360A variant (also known as c.1078C>G), located in coding exon 9 of the BRCA2 gene, results from a C to G substitution at nucleotide position 1078. The proline at codon 360 is replaced by alanine, an amino acid with highly similar properties. This amino acid position is not well conserved in available vertebrate species. In addition, this alteration is predicted to be tolerated by in silico analysis. Since supporting evidence is limited at this time, the clinical significance of this alteration remains unclear.

All of Us Research Program, National Institutes of Health
Classification: Uncertain significance for Breast-ovarian cancer, familial, susceptibility to, 2. Last evaluated: 2023-12-13. Review status: criteria provided, single submitter. Criteria: ACMG Guidelines, 2015. Collection method: clinical testing. Allele origin: germline. Inheritance: Autosomal dominant inheritance. Observed: 3 variant alleles, 3 heterozygotes.
Comment: This missense variant replaces proline with alanine at codon 360 of the BRCA2 protein. Computational prediction suggests that this variant may not impact protein structure and function (internally defined REVEL score threshold <= 0.5, PMID: 27666373). To our knowledge, functional studies have not been reported for this variant. This variant has not been reported in individuals affected with BRCA2-related disorders in the literature. This variant has been identified in 3/279196 chromosomes in the general population by the Genome Aggregation Database (gnomAD). The available evidence is insufficient to determine the role of this variant in disease conclusively. Therefore, this variant is classified as a Variant of Uncertain Significance.

This study involves interpretation of variants in research participants for the purpose of population health screening. Participant phenotype was not available at the time of variant classification. Additional details can be found in publication PMID: 35346344, PMCID: PMC8962531

Color Diagnostics, LLC DBA Color Health
Classification: Uncertain significance for Hereditary cancer-predisposing syndrome. Last evaluated: 2023-09-06. Review status: criteria provided, single submitter. Criteria: ACMG Guidelines, 2015. Collection method: clinical testing. Allele origin: germline.
Comment: This missense variant replaces proline with alanine at codon 360 of the BRCA2 protein. Computational prediction suggests that this variant may not impact protein structure and function (internally defined REVEL score threshold <= 0.5, PMID: 27666373). To our knowledge, functional studies have not been reported for this variant. This variant has not been reported in individuals affected with BRCA2-related disorders in the literature. This variant has been identified in 3/279196 chromosomes in the general population by the Genome Aggregation Database (gnomAD). The available evidence is insufficient to determine the role of this variant in disease conclusively. Therefore, this variant is classified as a Variant of Uncertain Significance.

University of Washington Department of Laboratory Medicine, University of Washington
Classification: Likely benign for Hereditary cancer-predisposing syndrome. Last evaluated: 2023-03-23. Review status: criteria provided, single submitter. Criteria: Dines et al. (Genet Med. 2020). Collection method: curation. Allele origin: germline.
Comment: Missense variant in a coldspot region where missense variants are very unlikely to be pathogenic (PMID:31911673).

BRCA2 exon 10 coldspot. Reclassification based on statistical prior probability.

GeneDx
Classification: Uncertain significance. Last evaluated: 2023-03-01. Review status: criteria provided, single submitter. Criteria: GeneDx Variant Classification Process June 2021. Collection method: clinical testing. Allele origin: germline. Affected: yes.
Comment: Not observed at significant frequency in large population cohorts (gnomAD); In silico analysis supports that this missense variant does not alter protein structure/function; Has not been previously published as pathogenic or benign to our knowledge; Also known as 1306C>G

Sema4
Classification: Uncertain significance for Hereditary cancer-predisposing syndrome. Last evaluated: 2021-09-03. Review status: criteria provided, single submitter. Criteria: Sema4 Curation Guidelines. Collection method: curation. Allele origin: germline.
Comment: The BRCA2 c.1078C>G (p.P360A) variant has not been reported in the literature to our knowledge. This variant was observed in 3/24298 chromosomes in the African/African American population according to the Genome Aggregation Database (PMID: 32461654). This variant has been reported in ClinVar (Variation ID 141850). Functional studies have not been performed, and in silico predictions of the variant's effect on protein function are inconclusive. The overall evidence is insufficient to meet ACMG/AMP criteria for classifying it as benign or pathogenic. In summary, the clinical significance of this variant is currently uncertain.

Quest Diagnostics Nichols Institute San Juan Capistrano
Classification: Uncertain significance. Last evaluated: 2019-10-31. Review status: criteria provided, single submitter. Criteria: Quest Diagnostics criteria. Collection method: clinical testing. Allele origin: unknown.

Women's Health and Genetics/Laboratory Corporation of America, LabCorp
Classification: Uncertain significance. Last evaluated: 2016-12-27. Review status: criteria provided, single submitter. Criteria: LabCorp Variant Classification Summary - May 2015. Collection method: clinical testing. Allele origin: germline.
Comment: Variant summary: The BRCA2 c.1078C>G (p.Pro360Ala) variant involves the alteration of a non-conserved nucleotide. 3/4 in silico tools predict a benign outcome for this substitution (SNPs&GO not captured due to low reliability index). This variant was found in 1/120608 control chromosomes at a frequency of 0.0000083, which does not exceed the estimated maximal expected allele frequency of a pathogenic BRCA2 variant (0.0007503). The variant of interest has not, to our knowledge, been reported in affected individuals via publications; nor evaluated for functional impact by in vivo/vitro studies. Multiple clinical diagnostic laboratories/reputable databases classified this variant as uncertain significance. Because of the absence of clinical information and the lack of functional studies, the variant is classified as a variant of uncertain significance (VUS) until additional information becomes available.

NM_000059.4(BRCA2):c.1078C>G (p.Pro360Ala)

Gene: BRCA2 (BRCA2 DNA repair associated; plus strand). Cytogenetic location: 13q13.1.
Variant type: single nucleotide variant.
Coding change: c.1078C>G on transcript NM_000059.4 (MANE Select); coding-DNA position 1078, C replaced by G.
Protein change: p.Pro360Ala; replaces proline 360 with alanine.
Molecular consequence: missense variant.
Genome position (GRCh38, 1-based): chr13:32,332,556, C>G. VCF-style: chr13-32332556-C-G. GRCh37 (hg19) VCF-style: chr13-32906693-C-G.
Other names: p.P360A:CCA>GCA; short protein forms P360A.
Identifiers: ClinVar variation 141850 (VCV000141850.26), dbSNP rs587782057, ClinGen allele CA010756.